The following is an entry in ClinVar:

ClinVar aggregate classification (germline): Pathogenic (1 of 4 stars; one submission).

Conditions:
Gaucher disease. Also called: Acute cerebral Gaucher disease; Cerebroside lipidosis syndrome; Gaucher splenomegaly; Sphingolipidosis 1; Glucocerebrosidosis; Glucosylceramidase deficiency. Identifiers: Orphanet 355, MedGen C0017205, MONDO:0018150.

Submission:

Natera, Inc.
Classification: Pathogenic for Gaucher disease. Last evaluated: 2024-11-14. Review status: criteria provided, single submitter. Criteria: Natera Variant Classification Schema (03/2026). Collection method: clinical testing. Allele origin: germline.
Comment: The c.522T>A variant in GBA1 is a nonsense variant predicted to introduce a stop codon at amino acid 174. This variant is expected to result in nonsense mediated decay, truncation, or a dysfunctional protein product. This variant is rare in the general population with a frequency below the threshold expected for the associated phenotype(s). This variant has been observed in one or more individuals affected with the associated recessive disease, as either homozygous or compound heterozygous with a second variant (PMID: 10796875). Given the available evidence, this variant is classified as Pathogenic.

Literature cited by the submitters: PubMed 10796875.

NM_000157.4(GBA1):c.522T>A (p.Tyr174Ter)

Genes: GBA1 (glucosylceramidase beta 1; minus strand), LOC106627981 (GBA recombination region; plus strand). Cytogenetic location: 1q22.
Variant type: single nucleotide variant.
Coding change: c.522T>A on transcript NM_000157.4 (MANE Select); coding-DNA position 522, T replaced by A.
Protein change: p.Tyr174Ter; replaces tyrosine 174 with a stop codon.
Molecular consequence: nonsense.
Genome position (GRCh38, 1-based): chr1:155,238,583, A>T on the plus strand (T>A on the coding strand, the complement: GBA1 is on the minus strand). VCF-style: chr1-155238583-A-T. GRCh37 (hg19) VCF-style: chr1-155208374-A-T.
Other names: c.522T>A, p.Tyr174Ter (NM_001005741.3, NM_001005742.3); c.261T>A, p.Tyr87Ter (NM_001171811.2); c.375T>A, p.Tyr125Ter (NM_001171812.2); short protein forms Y125*, Y174*, Y87*.
Identifiers: ClinVar variation 4817772 (VCV004817772.1).